The following is an entry in ClinVar:

NM_133259.4(LRPPRC):c.3013del (p.Gln1005fs)

Gene: LRPPRC (leucine rich pentatricopeptide repeat containing; minus strand). Cytogenetic location: 2p21.
Variant type: Deletion.
Coding change: c.3013del on transcript NM_133259.4 (MANE Select); coding-DNA position 3013, one base deleted (C; older notation c.3013delC).
Protein change: p.Gln1005fs; shifts the reading frame from glutamine 1005.
Molecular consequence: frameshift variant.
Genome position (GRCh38, 1-based): chr2:43,918,282, G deleted on the plus strand (C on the coding strand, the reverse complement: LRPPRC is on the minus strand); the first of 2 consecutive G bases (chr2:43,918,282-43,918,283); deleting either gives the same sequence. VCF-style (leftmost placement, unchanged base first): chr2-43918281-TG-T. GRCh37 (hg19) VCF-style: chr2-44145420-TG-T.
Other names: short protein forms Q1005fs.
Identifiers: ClinVar variation 1724909 (VCV001724909.3), dbSNP rs2466451908, ClinGen allele CA2580066477.

ClinVar aggregate classification (germline): Likely pathogenic. Review status: criteria provided, multiple submitters, no conflicts (2 of 4 stars). 2 submissions from 2 submitters: Likely pathogenic (2). Last evaluated 2024-05-11.

Conditions:
Congenital lactic acidosis, Saguenay-Lac-Saint-Jean type (MC4DN5). Also called: MITOCHONDRIAL COMPLEX IV DEFICIENCY, NUCLEAR TYPE 5; CYTOCHROME c OXIDASE DEFICIENCY, FRENCH CANADIAN TYPE; COX DEFICIENCY, FRENCH CANADIAN TYPE. Identifiers: Orphanet 70472, MedGen C1857355, MONDO:0009069, OMIM 220111.

Submissions (2):

Fulgent Genetics
Classification: Likely pathogenic for Congenital lactic acidosis, Saguenay-Lac-Saint-Jean type. Last evaluated: 2024-05-11. Review status: criteria provided, single submitter. Criteria: ACMG Guidelines, 2015. Collection method: clinical testing. Allele origin: germline.

Myriad Genetics, Inc.
Classification: Likely pathogenic for Congenital lactic acidosis, Saguenay-Lac-Saint-Jean type. Last evaluated: 2021-11-24. Review status: criteria provided, single submitter. Criteria: Myriad Women's Health Autosomal Recessive and X-Linked Classification Criteria (2021). Collection method: clinical testing. Allele origin: unknown.
Comment: NM_133259.3(LRPPRC):c.3013delC(Q1005Rfs*19) is expected to be pathogenic in the context of Leigh syndrome, French-Canadian type. This variant is predicted to lead to an abnormal or absent protein product due to the creation of a premature termination codon in LRPPRC, a gene where loss-of-function variants are known to be pathogenic. Please note: this variant was assessed in the context of healthy population screening.